The following is an entry in ClinVar:

ClinVar aggregate classification (germline): Uncertain significance (1 of 4 stars; one submission).

gnomAD v4.1: 12 of 700,312 alleles (0.0017%); highest among the groups gnomAD compares: African/African-American, 0.0035%; no homozygotes.

Submission:

Labcorp Genetics (formerly Invitae), Labcorp
Classification: Uncertain significance. Last evaluated: 2024-10-22. Review status: criteria provided, single submitter. Criteria: Invitae Variant Classification Sherloc (09022015). Collection method: clinical testing. Allele origin: germline.
Comment: This variant occurs in the RNU4ATAC gene, which encodes an RNA molecule that does not result in a protein product. This variant is present in population databases (no rsID available, gnomAD 0.002%). This variant has not been reported in the literature in individuals affected with RNU4ATAC-related conditions. ClinVar contains an entry for this variant (Variation ID: 1412960). Experimental studies and prediction algorithms are not available or were not evaluated, and the functional significance of this variant is currently unknown. In summary, the available evidence is currently insufficient to determine the role of this variant in disease. Therefore, it has been classified as a Variant of Uncertain Significance.

NC_000002.12:g.121530954A>C

Genes: CLASP1 (cytoplasmic linker associated protein 1; minus strand), CLASP1-AS1 (CLASP1 antisense RNA 1; plus strand), RNU4ATAC (RNA, U4atac small nuclear; plus strand). Cytogenetic location: 2q14.2.
Variant type: single nucleotide variant.
Molecular consequence: intron variant (on NM_001395891.1).
Genome position: GRCh38 VCF-style: chr2-121530954-A-C. GRCh37 (hg19) VCF-style: chr2-122288530-A-C.
Other names: c.196-629T>G (NM_001142274.2, NM_015282.3, NM_001378003.1 and 5 more transcripts).
Identifiers: ClinVar variation 1412960 (VCV001412960.6), dbSNP rs950868962, ClinGen allele CA54810922.